The following is an entry in ClinVar:

NM_032119.4(ADGRV1):c.5443+6G>C

Gene: ADGRV1 (adhesion G protein-coupled receptor V1; plus strand). Cytogenetic location: 5q14.3.
Variant type: single nucleotide variant.
Coding change: c.5443+6G>C on transcript NM_032119.4 (MANE Select); 6 bases into the intron after coding-DNA position 5443, G replaced by C.
Molecular consequence: intron variant.
Genome position (GRCh38, 1-based): chr5:90,676,215, G>C. VCF-style: chr5-90676215-G-C. GRCh37 (hg19) VCF-style: chr5-89972032-G-C.
Identifiers: ClinVar variation 4693258 (VCV004693258.1).

ClinVar aggregate classification (germline): Uncertain significance (1 of 4 stars; one submission).

gnomAD v4.1: 1 of 1,595,178 alleles (0.000063%); highest among the groups gnomAD compares: South Asian, 0.0012%; no homozygotes.

Submission:

Labcorp Genetics (formerly Invitae), Labcorp
Classification: Uncertain significance. Last evaluated: 2025-06-17. Review status: criteria provided, single submitter. Criteria: Invitae Variant Classification Sherloc (09022015). Collection method: clinical testing. Allele origin: germline.
Comment: This sequence change falls in intron 25 of the ADGRV1 gene. It does not directly change the encoded amino acid sequence of the ADGRV1 protein. It affects a nucleotide within the consensus splice site. This variant is present in population databases (no rsID available, gnomAD 0.004%). This variant has not been reported in the literature in individuals affected with ADGRV1-related conditions. Variants that disrupt the consensus splice site are a relatively common cause of aberrant splicing (PMID: 17576681, 9536098). Algorithms developed to predict the effect of sequence changes on RNA splicing suggest that this variant is not likely to affect RNA splicing. In summary, the available evidence is currently insufficient to determine the role of this variant in disease. Therefore, it has been classified as a Variant of Uncertain Significance.

Literature cited by the submitters: PubMed 17576681; PubMed 9536098.